The following is an entry in ClinVar:

ClinVar aggregate classification (germline): Likely benign. Review status: reviewed by expert panel (3 of 4 stars). 9 submissions from 9 submitters: Likely benign (1). 8 of the submissions do not count toward it. Last evaluated 2017-06-29.

Conditions:
Hereditary cancer-predisposing syndrome. Also called: Tumor predisposition; Hereditary Cancer Syndrome; Hereditary neoplastic syndrome; Neoplastic Syndromes, Hereditary. Identifiers: Orphanet 140162, MedGen C0027672, MeSH D009386, MONDO:0015356.
Familial cancer of breast. Also called: BREAST CANCER, FAMILIAL; hereditary breast carcinoma; Hereditary breast cancer. Identifiers: Orphanet 227535, MedGen C0346153, MONDO:0016419, OMIM 114480. Disease mechanism: loss of function.
Breast-ovarian cancer, familial, susceptibility to, 2 (BROVCA2). Also called: BRCA2 Hereditary Breast and Ovarian Cancer. Identifiers: Orphanet 145, MedGen C2675520, MONDO:0012933, OMIM 612555. Disease mechanism: loss of function.
Hereditary breast ovarian cancer syndrome. Also called: Breast and ovarian cancer; Hereditary breast and ovarian cancer syndrome; Hereditary breast and ovarian cancer; BRCA1- and BRCA2-Associated Hereditary Breast and Ovarian Cancer; Hereditary breast and ovarian cancer syndrome (HBOC); Hereditary breast and/or ovarian cancer syndrome. Identifiers: Orphanet 145, MedGen C0677776, MeSH D061325, MONDO:0003582. Disease mechanism: loss of function.

Allele frequency attached by ClinVar (database versions not stated): TOPMed 0.00001; ExAC 0.00002; gnomAD exomes 0.00003; ESP Exome Variant Server 0.00008.
gnomAD v4.1: 42 of 1,613,862 alleles (0.0026%); highest among the groups gnomAD compares: Non-Finnish European, 0.0032%; no homozygotes.

Submissions (9):

Evidence-based Network for the Interpretation of Germline Mutant Alleles (ENIGMA)
Classification: Likely benign for Breast-ovarian cancer, familial, susceptibility to, 2. Last evaluated: 2017-06-29. Review status: reviewed by expert panel. Criteria: ENIGMA BRCA1/2 Classification Criteria (2017-06-29). Collection method: curation. Allele origin: germline.
Comment: Synonymous substitution variant, with low bioinformatic likelihood to result in a splicing aberration (Splicing prior probability 0.02).

Labcorp Genetics (formerly Invitae), Labcorp
Classification: Likely benign for Hereditary breast ovarian cancer syndrome. Last evaluated: 2025-12-14. Review status: criteria provided, single submitter. Criteria: Invitae Variant Classification Sherloc (09022015). Collection method: clinical testing. Allele origin: germline. Not counted in ClinVar's aggregate classification.

All of Us Research Program, National Institutes of Health
Classification: Likely benign for Breast-ovarian cancer, familial, susceptibility to, 2. Last evaluated: 2023-12-18. Review status: criteria provided, single submitter. Criteria: ACMG Guidelines, 2015. Collection method: clinical testing. Allele origin: germline. Inheritance: Autosomal dominant inheritance. Observed: 8 variant alleles, 8 heterozygotes. Not counted in ClinVar's aggregate classification.
Comment: This study involves interpretation of variants in research participants for the purpose of population health screening. Participant phenotype was not available at the time of variant classification. Additional details can be found in publication PMID: 35346344, PMCID: PMC8962531

Sema4
Classification: Likely benign for Hereditary cancer-predisposing syndrome. Last evaluated: 2021-10-19. Review status: criteria provided, single submitter. Criteria: Sema4 Curation Guidelines. Collection method: curation. Allele origin: germline. Not counted in ClinVar's aggregate classification.

Quest Diagnostics Nichols Institute San Juan Capistrano
Classification: Likely benign. Last evaluated: 2020-09-01. Review status: criteria provided, single submitter. Criteria: Quest Diagnostics criteria. Collection method: clinical testing. Allele origin: unknown. Not counted in ClinVar's aggregate classification.

Department of Pathology and Laboratory Medicine, Sinai Health System
Classification: Likely benign for Familial cancer of breast; Breast-ovarian cancer, familial, susceptibility to, 2. Last evaluated: 2020-01-28. Review status: criteria provided, single submitter. Criteria: ACMG Guidelines, 2015. Collection method: clinical testing. Allele origin: germline. Affected: yes. Not counted in ClinVar's aggregate classification.

Color Diagnostics, LLC DBA Color Health
Classification: Likely benign for Hereditary cancer-predisposing syndrome. Last evaluated: 2017-10-06. Review status: criteria provided, single submitter. Criteria: ACMG Guidelines, 2015. Collection method: clinical testing. Allele origin: germline. Not counted in ClinVar's aggregate classification.

GeneDx
Classification: Benign. Last evaluated: 2015-06-23. Review status: criteria provided, single submitter. Criteria: GeneDx Variant Classification (06012015). Collection method: clinical testing. Allele origin: germline. Affected: yes. Not counted in ClinVar's aggregate classification.
Comment: This variant is considered likely benign or benign based on one or more of the following criteria: it is a conservative change, it occurs at a poorly conserved position in the protein, it is predicted to be benign by multiple in silico algorithms, and/or has population frequency not consistent with disease.

Ambry Genetics
Classification: Likely benign for Hereditary cancer-predisposing syndrome. Last evaluated: 2014-10-15. Review status: criteria provided, single submitter. Criteria: Ambry Variant Classification Scheme 2023. Collection method: clinical testing. Allele origin: germline. Not counted in ClinVar's aggregate classification.

NM_000059.4(BRCA2):c.6078A>G (p.Thr2026=)

Gene: BRCA2 (BRCA2 DNA repair associated; plus strand). Cytogenetic location: 13q13.1.
Variant type: single nucleotide variant.
Coding change: c.6078A>G on transcript NM_000059.4 (MANE Select); coding-DNA position 6078, A replaced by G.
Protein change: p.Thr2026=; no amino-acid change (threonine 2026 retained).
Molecular consequence: synonymous variant.
Genome position (GRCh38, 1-based): chr13:32,340,433, A>G. VCF-style: chr13-32340433-A-G. GRCh37 (hg19) VCF-style: chr13-32914570-A-G.
Identifiers: ClinVar variation 184216 (VCV000184216.25), dbSNP rs375649375, ClinGen allele CA023614.